The following is an entry in ClinVar:

NM_001382430.1(AKT1):c.382A>G (p.Asn128Asp)

Gene: AKT1 (AKT serine/threonine kinase 1; minus strand). Cytogenetic location: 14q32.33.
Variant type: single nucleotide variant.
Coding change: c.382A>G on transcript NM_001382430.1 (MANE Select); coding-DNA position 382, A replaced by G.
Protein change: p.Asn128Asp; replaces asparagine 128 with aspartic acid.
Molecular consequence: missense variant.
Genome position (GRCh38, 1-based): chr14:104,775,705, T>C on the plus strand (A>G on the coding strand, the complement: AKT1 is on the minus strand). VCF-style: chr14-104775705-T-C. GRCh37 (hg19) VCF-style: chr14-105242042-T-C.
Other names: c.382A>G, p.Asn128Asp (NM_001014431.2, NM_001014432.2, NM_001382431.1 and 3 more transcripts); short protein forms N128D.
Identifiers: ClinVar variation 3518985 (VCV003518985.1).
Genomic context (GRCh38, chr14:104,775,705, plus strand): 5'-GCCTCACCACGCGGTGCTTGGGCTTGGCCAGGGACACCTCCATCTCTTCAGCCCCTGAGT[T>C]GTCACTGGGTGAGCCCGACCGGAAGTCCATCTCCTCCTCCTCCTGCTTCTTGAGGCCGTC-3'
Protein context (NP_001369359.1, residues 118-138): MDFRSGSPSD[Asn128Asp]SGAEEMEVSL

ClinVar aggregate classification (germline): Uncertain significance (1 of 4 stars; one submission).

Conditions:
Inborn genetic diseases. Identifiers: MedGen C0950123, MeSH D030342.

gnomAD v4.1: 1 of 1,614,104 alleles (0.000062%); highest among the groups gnomAD compares: South Asian, 0.0011%; no homozygotes.

Submission:

Ambry Genetics
Classification: Uncertain significance for Inborn genetic diseases. Last evaluated: 2024-08-20. Review status: criteria provided, single submitter. Criteria: Ambry Variant Classification Scheme 2023. Collection method: clinical testing. Allele origin: germline.
Comment: The p.N128D variant (also known as c.382A>G), located in coding exon 4 of the AKT1 gene, results from an A to G substitution at nucleotide position 382. The asparagine at codon 128 is replaced by aspartic acid, an amino acid with highly similar properties. This amino acid position is conserved. In addition, this alteration is predicted to be tolerated by in silico analysis. Based on the available evidence, the clinical significance of this variant remains unclear.